The following is an entry in ClinVar:

ClinVar aggregate classification (germline): Likely pathogenic (1 of 4 stars; one submission).

Conditions:
Autosomal recessive limb-girdle muscular dystrophy type 2J (LGMDR10). Also called: Limb-girdle muscular dystrophy, type 2J; MUSCULAR DYSTROPHY, LIMB-GIRDLE, AUTOSOMAL RECESSIVE 10. Identifiers: Orphanet 140922, MedGen C1837342, MONDO:0012127, OMIM 608807.
Dilated cardiomyopathy 1G (CMD1G). Identifiers: Orphanet 154, MedGen C1858763, MONDO:0011400, OMIM 604145.

Submission:

Labcorp Genetics (formerly Invitae), Labcorp
Classification: Likely pathogenic for Dilated cardiomyopathy 1G; Autosomal recessive limb-girdle muscular dystrophy type 2J. Last evaluated: 2024-11-04. Review status: criteria provided, single submitter. Criteria: Invitae Variant Classification Sherloc (09022015). Collection method: clinical testing. Allele origin: germline.
Comment: This sequence change creates a premature translational stop signal (p.Gly4386Valfs*8) in the TTN gene. While this is not anticipated to result in nonsense mediated decay, it is expected to create a truncated TTN protein. This variant is not present in population databases (gnomAD no frequency). This variant has not been reported in the literature in individuals affected with TTN-related conditions. ClinVar contains an entry for this variant (Variation ID: 2096223). Algorithms developed to predict the effect of sequence changes on RNA splicing suggest that this variant may create or strengthen a splice site. This variant is located in the I band of TTN (PMID: 25589632). Truncating variants in this region have been reported in individuals affected with autosomal recessive centronuclear myopathy (PMID: 23975875, internal data). Truncating variants in this region have also been identified in individuals affected with autosomal dominant dilated cardiomyopathy and/or cardio-related conditions (PMID: 27869827, 32964742, internal data). In summary, the currently available evidence indicates that the variant is pathogenic, but additional data are needed to prove that conclusively. Therefore, this variant has been classified as Likely Pathogenic.

Literature cited by the submitters: PubMed 25589632; PubMed 23975875; PubMed 27869827; PubMed 32964742.

NM_001267550.2(TTN):c.13157del (p.Gly4386fs)

Gene: TTN (titin; minus strand). Cytogenetic location: 2q31.2.
Variant type: Deletion.
Coding change: c.13157del on transcript NM_001267550.2 (MANE Select); coding-DNA position 13157, one base deleted (G; older notation c.13157delG).
Protein change: p.Gly4386fs; shifts the reading frame from glycine 4386.
Molecular consequence: frameshift variant. On other transcripts: intron variant (1).
Genome position (GRCh38, 1-based): chr2:178,740,076, C deleted on the plus strand (G on the coding strand, the reverse complement: TTN is on the minus strand); the first of 2 consecutive C bases (chr2:178,740,076-178,740,077); deleting either gives the same sequence. VCF-style (leftmost placement, unchanged base first): chr2-178740075-AC-A. GRCh37 (hg19) VCF-style: chr2-179604802-AC-A.
Other names: c.12206del, p.Gly4069fs (NM_001256850.1); c.12068del, p.Gly4023fs (NM_003319.4); c.12443del, p.Gly4148fs (NM_133432.3); c.12644del, p.Gly4215fs (NM_133437.4); c.10361-1716del (NM_133378.4); short protein forms G4148fs, G4023fs, G4069fs, G4386fs, G4215fs.
Identifiers: ClinVar variation 2096223 (VCV002096223.4), dbSNP rs2530638261, ClinGen allele CA2580065113.